The following is an entry in ClinVar:

ClinVar aggregate classification (germline): Uncertain significance (1 of 4 stars; one submission).

Submission:

GeneDx
Classification: Uncertain significance. Last evaluated: 2021-04-02. Review status: criteria provided, single submitter. Criteria: GeneDx Variant Classification Process June 2021. Collection method: clinical testing. Allele origin: germline. Affected: yes.
Comment: Not observed in large population cohorts (Lek et al., 2016); In silico analysis supports that this missense variant does not alter protein structure/function; Has not been previously published as pathogenic or benign to our knowledge

NM_020822.3(KCNT1):c.592A>G (p.Ser198Gly)

Gene: KCNT1 (potassium sodium-activated channel subfamily T member 1; plus strand). Cytogenetic location: 9q34.3.
Variant type: single nucleotide variant.
Coding change: c.592A>G on transcript NM_020822.3 (MANE Select); coding-DNA position 592, A replaced by G.
Protein change: p.Ser198Gly; replaces serine 198 with glycine.
Molecular consequence: missense variant.
Genome position (GRCh38, 1-based): chr9:135,756,924, A>G. VCF-style: chr9-135756924-A-G. GRCh37 (hg19) VCF-style: chr9-138648770-A-G.
Other names: c.448A>G, p.Ser150Gly (NM_001272003.2); short protein forms S150G, S198G.
Identifiers: ClinVar variation 1314286 (VCV001314286.2), dbSNP rs2131434975, ClinGen allele CA375497164.